The following is an entry in ClinVar:

NM_005732.4(RAD50):c.2426T>G (p.Ile809Ser)

Gene: RAD50 (RAD50 double strand break repair protein; plus strand). Cytogenetic location: 5q31.1.
Variant type: single nucleotide variant.
Coding change: c.2426T>G on transcript NM_005732.4 (MANE Select); coding-DNA position 2426, T replaced by G.
Protein change: p.Ile809Ser; replaces isoleucine 809 with serine.
Molecular consequence: missense variant.
Genome position (GRCh38, 1-based): chr5:132,603,948, T>G. VCF-style: chr5-132603948-T-G. GRCh37 (hg19) VCF-style: chr5-131939640-T-G.
Other names: short protein forms I809S.
Identifiers: ClinVar variation 3429502 (VCV003429502.1).

ClinVar aggregate classification (germline): Uncertain significance (1 of 4 stars; one submission).

Conditions:
Hereditary cancer-predisposing syndrome. Also called: Neoplastic Syndromes, Hereditary; Tumor predisposition; Hereditary Cancer Syndrome; Hereditary neoplastic syndrome. Identifiers: Orphanet 140162, MedGen C0027672, MeSH D009386, MONDO:0015356.

Submission:

Ambry Genetics
Classification: Uncertain significance for Hereditary cancer-predisposing syndrome. Last evaluated: 2024-09-23. Review status: criteria provided, single submitter. Criteria: Ambry Variant Classification Scheme 2023. Collection method: clinical testing. Allele origin: germline.
Comment: The p.I809S variant (also known as c.2426T>G), located in coding exon 15 of the RAD50 gene, results from a T to G substitution at nucleotide position 2426. The isoleucine at codon 809 is replaced by serine, an amino acid with dissimilar properties. This amino acid position is conserved. In addition, this alteration is predicted to be deleterious by in silico analysis. Based on the available evidence, the clinical significance of this variant remains unclear.